The following is an entry in ClinVar:

NM_005618.4(DLL1):c.1077C>G (p.Tyr359Ter)

Gene: DLL1 (delta like canonical Notch ligand 1; minus strand). Cytogenetic location: 6q27.
Variant type: single nucleotide variant.
Coding change: c.1077C>G on transcript NM_005618.4 (MANE Select); coding-DNA position 1077, C replaced by G.
Protein change: p.Tyr359Ter; replaces tyrosine 359 with a stop codon.
Molecular consequence: nonsense.
Genome position (GRCh38, 1-based): chr6:170,285,091, G>C on the plus strand (C>G on the coding strand, the complement: DLL1 is on the minus strand). VCF-style: chr6-170285091-G-C. GRCh37 (hg19) VCF-style: chr6-170594179-G-C.
Other names: short protein forms Y359*.
Identifiers: ClinVar variation 3254980 (VCV003254980.2), dbSNP rs145681739.

ClinVar aggregate classification (germline): Pathogenic (1 of 4 stars; one submission).

Conditions:
Neurodevelopmental disorder with nonspecific brain abnormalities and with or without seizures. Identifiers: MedGen C5231470, MONDO:0032877, OMIM 618709.

Submission:

Victorian Clinical Genetics Services, Murdoch Childrens Research Institute
Classification: Pathogenic for Neurodevelopmental disorder with nonspecific brain abnormalities and with or without seizures. Last evaluated: 2024-09-19. Review status: criteria provided, single submitter. Criteria: ACMG Guidelines, 2015. Collection method: clinical testing. Allele origin: germline. Inheritance: Autosomal dominant inheritance. Affected: yes.
Comment: Based on the classification scheme VCGS_Germline_v1.3.4, this variant is classified as Pathogenic. Following criteria are met: 0102 - Loss of function is a known mechanism of disease in this gene and is associated with neurodevelopmental disorder with nonspecific brain abnormalities and with or without seizures (MIM#618709). (I) 0107 - This gene is associated with autosomal dominant disease. (I) 0201 - Variant is predicted to cause nonsense-mediated decay (NMD) and loss of protein (premature termination codon is located at least 54 nucleotides upstream of the final exon-exon junction). (SP) 0251 - This variant is heterozygous. (I) 0301 - Variant is absent from gnomAD (both v2 and v3). (SP) 0701 - Other NMD-predicted variants comparable to the one identified in this case have very strong previous evidence for pathogenicity (DECIPHER). (SP) 0807 - This variant has no previous evidence of pathogenicity. (I) 0905 - No published segregation evidence has been identified for this variant. (I) 1007 - No published functional evidence has been identified for this variant. (SP) Legend: (SP) - Supporting pathogenic, (I) - Information, (SB) - Supporting benign